The following is an entry in ClinVar:

NM_001372.4(DNAH9):c.2830_2831dup (p.Phe945fs)

Genes: DNAH9 (dynein axonemal heavy chain 9; plus strand), LOC126862505 (BRD4-independent group 4 enhancer GRCh37_chr17:11572478-11573677; plus strand). Cytogenetic location: 17p12.
Variant type: Duplication.
Coding change: c.2830_2831dup on transcript NM_001372.4 (MANE Select); coding-DNA positions 2830 to 2831, 2 bases duplicated (GG; older notation c.2830_2831dupGG).
Protein change: p.Phe945fs; shifts the reading frame from phenylalanine 945.
Molecular consequence: frameshift variant.
Genome position (GRCh38, 1-based): chr17:11,669,162-11,669,163, GG duplicated; duplicating any 2 consecutive bases within chr17:11,669,158-11,669,163 gives the same sequence; the c. name uses the placement nearest the transcript's 3' end. VCF-style (leftmost placement, unchanged base first): chr17-11669157-A-AGG. GRCh37 (hg19) VCF-style: chr17-11572474-A-AGG.
Other names: short protein forms F945fs.
Identifiers: ClinVar variation 4982073 (VCV004982073.1).
Genomic context (GRCh38, chr17:11,669,157, plus strand): 5'-CACAACTGAGTCTAGCCATCCCAGAGCTAGTTTTCTATCCGTCTCTGGAGTCTGGAGTGA[A>AGG]GGGGGGTTTCTGTGACATTGTTGAGGGTCTCATCACCAGCATTTTTAGGATACCATCTCT-3'

ClinVar aggregate classification (germline): Likely pathogenic (1 of 4 stars; one submission).

Conditions:
DNAH9-related disorder. Also called: DNAH9-related condition.

Submission:

PreventionGenetics, part of Exact Sciences
Classification: Likely pathogenic for DNAH9-related condition. Last evaluated: 2026-03-02. Review status: criteria provided, single submitter. Criteria: ACMG Guidelines, 2015. Collection method: clinical testing. Allele origin: germline.
Comment: The DNAH9 c.2830_2831dupGG variant is predicted to result in a frameshift and premature protein termination (p.Phe945Valfs*56). To our knowledge, this variant has not been reported in the literature. This variant is reported in 0.0046% of alleles in individuals of European (Non-Finnish) descent in gnomAD. Frameshift variants in DNAH9 are expected to be pathogenic. This variant is interpreted as likely pathogenic.